The following is an entry in ClinVar:

NM_000038.6(APC):c.7206T>A (p.Asn2402Lys)

Gene: APC (APC regulator of Wnt signaling pathway; plus strand). Cytogenetic location: 5q22.2.
Variant type: single nucleotide variant.
Coding change: c.7206T>A on transcript NM_000038.6 (MANE Select); coding-DNA position 7206, T replaced by A.
Protein change: p.Asn2402Lys; replaces asparagine 2402 with lysine.
Molecular consequence: missense variant. On other transcripts: non-coding transcript variant (2).
Genome position (GRCh38, 1-based): chr5:112,842,800, T>A. VCF-style: chr5-112842800-T-A. GRCh37 (hg19) VCF-style: chr5-112178497-T-A.
Other names: c.7206T>A, p.Asn2402Lys (NM_001127510.3, NM_001354895.2, NM_001407450.1); c.7152T>A, p.Asn2384Lys (NM_001127511.3); c.7260T>A, p.Asn2420Lys (NM_001354896.2, NM_001407447.1, NM_001407448.1 and 1 more transcripts); c.7236T>A, p.Asn2412Lys (NM_001354897.2); c.7131T>A, p.Asn2377Lys (NM_001354898.2); c.7122T>A, p.Asn2374Lys (NM_001354899.2); c.7083T>A, p.Asn2361Lys (NM_001354900.2); c.7029T>A, p.Asn2343Lys (NM_001354901.2, NM_001407453.1); and 11 more; short protein forms N2119K, N2301K, N2343K, N2377K, N2018K, N2311K, N2319K, N2384K.
Identifiers: ClinVar variation 3410293 (VCV003410293.1).
Genomic context (GRCh38, chr5:112,842,800, plus strand): 5'-AGGTTTATCCAAGAATGCCAGTAGTATTCCAAGAAGTGAGTCTGCCTCCAAAGGACTAAA[T>A]CAGATGAATAATGGTAATGGAGCCAATAAAAAGGTAGAACTTTCTAGAATGTCTTCAACT-3'
Protein context (NP_000029.2, residues 2392-2412): PRSESASKGL[Asn2402Lys]QMNNGNGANK

ClinVar aggregate classification (germline): Uncertain significance (1 of 4 stars; one submission).

Conditions:
Hereditary cancer-predisposing syndrome. Also called: Neoplastic Syndromes, Hereditary; Tumor predisposition; Hereditary Cancer Syndrome; Hereditary neoplastic syndrome. Identifiers: Orphanet 140162, MedGen C0027672, MeSH D009386, MONDO:0015356.

Submission:

Ambry Genetics
Classification: Uncertain significance for Hereditary cancer-predisposing syndrome. Last evaluated: 2024-08-17. Review status: criteria provided, single submitter. Criteria: Ambry Variant Classification Scheme 2023. Collection method: clinical testing. Allele origin: germline.
Comment: The p.N2402K variant (also known as c.7206T>A), located in coding exon 15 of the APC gene, results from a T to A substitution at nucleotide position 7206. The asparagine at codon 2402 is replaced by lysine, an amino acid with similar properties. This amino acid position is conserved. In addition, in silico predictors for this gene do not accurately predict pathogenicity. Based on the available evidence, the clinical significance of this variant remains unclear.